The following is an entry in ClinVar:

ClinVar aggregate classification (germline): Pathogenic. Review status: criteria provided, multiple submitters, no conflicts (2 of 4 stars). 3 submissions from 3 submitters: Pathogenic (3). Last evaluated 2023-04-11.

Conditions:
Developmental and epileptic encephalopathy, 18 (DEE18). Also called: Early infantile epileptic encephalopathy 18. Identifiers: Orphanet 369894, MedGen C3809624, MONDO:0014201, OMIM 615476.

Allele frequency attached by ClinVar (database versions not stated): TOPMed below 0.00001; gnomAD exomes 0.00001.
gnomAD v4.1: 7 of 1,567,596 alleles (0.00045%); highest among the groups gnomAD compares: Admixed American, 0.0019%; no homozygotes.

Submissions (3):

Genome-Nilou Lab
Classification: Pathogenic for Developmental and epileptic encephalopathy, 18. Last evaluated: 2023-04-11. Review status: criteria provided, single submitter. Criteria: ACMG Guidelines, 2015. Collection method: clinical testing. Allele origin: germline. Affected: no.

Labcorp Genetics (formerly Invitae), Labcorp
Classification: Pathogenic. Last evaluated: 2022-03-19. Review status: criteria provided, single submitter. Criteria: Invitae Variant Classification Sherloc (09022015). Collection method: clinical testing. Allele origin: germline.
Comment: For these reasons, this variant has been classified as Pathogenic. ClinVar contains an entry for this variant (Variation ID: 843369). This premature translational stop signal has been observed in individual(s) with early infantile epileptic encephalopathy (PMID: 27248490). In at least one individual the data is consistent with being in trans (on the opposite chromosome) from a pathogenic variant. The frequency data for this variant in the population databases is considered unreliable, as metrics indicate poor data quality at this position in the gnomAD database. This sequence change creates a premature translational stop signal (p.Arg3235*) in the SZT2 gene. It is expected to result in an absent or disrupted protein product. Loss-of-function variants in SZT2 are known to be pathogenic (PMID: 23932106, 27248490, 28556953).

Genetics Laboratory, UDIAT-Centre Diagnòstic, Hospital Universitari Parc Tauli
Classification: Pathogenic. Last evaluated: 2021-04-26. Review status: criteria provided, single submitter. Criteria: Parc Tauli Hospital Assertion Criteria 2021. Collection method: clinical testing. Allele origin: inherited. Inheritance: Autosomal recessive inheritance. Affected: yes. Observed: 1 homozygote.
Comment: PVS1_very strong;PM2_supporting;PM3_supporting;PP5_supporting

Literature cited by the submitters: PubMed 27248490 (cited by Labcorp Genetics (formerly Invitae), Labcorp); PubMed 23932106 (cited by Labcorp Genetics (formerly Invitae), Labcorp); PubMed 28556953 (cited by Labcorp Genetics (formerly Invitae), Labcorp).

NM_001365999.1(SZT2):c.9874C>T (p.Arg3292Ter)

Genes: SZT2 (SZT2 subunit of KICSTOR complex; plus strand), SZT2-AS1 (SZT2 antisense RNA 1; minus strand). Cytogenetic location: 1p34.2.
Variant type: single nucleotide variant.
Coding change: c.9874C>T on transcript NM_001365999.1 (MANE Select); coding-DNA position 9874, C replaced by T.
Protein change: p.Arg3292Ter; replaces arginine 3292 with a stop codon.
Molecular consequence: nonsense. On other transcripts: non-coding transcript variant (1).
Genome position (GRCh38, 1-based): chr1:43,448,389, C>T. VCF-style: chr1-43448389-C-T. GRCh37 (hg19) VCF-style: chr1-43914060-C-T.
Other names: c.9703C>T, p.Arg3235Ter (NM_015284.4); short protein forms R3292*, R3235*.
Identifiers: ClinVar variation 843369 (VCV000843369.10), dbSNP rs1302034044, ClinGen allele CA340045869.